The following is an entry in ClinVar:

ClinVar aggregate classification (germline): Uncertain significance (1 of 4 stars; one submission).

Submission:

Ambry Genetics
Classification: Uncertain significance. Last evaluated: 2025-12-22. Review status: criteria provided, single submitter. Criteria: Ambry Variant Classification Scheme 2023. Collection method: clinical testing. Allele origin: germline.
Comment: The p.D427N variant (also known as c.1279G>A), located in coding exon 1 of the MLH3 gene, results from a G to A substitution at nucleotide position 1279. The aspartic acid at codon 427 is replaced by asparagine, an amino acid with highly similar properties. This amino acid position is conserved. In addition, this alteration is predicted to be tolerated by in silico analysis. Based on the available evidence, the clinical significance of this variant remains unclear.

NM_001040108.2(MLH3):c.1279G>A (p.Asp427Asn)

Gene: MLH3 (mutL homolog 3; minus strand). Cytogenetic location: 14q24.3.
Variant type: single nucleotide variant.
Coding change: c.1279G>A on transcript NM_001040108.2 (MANE Select); coding-DNA position 1279, G replaced by A.
Protein change: p.Asp427Asn; replaces aspartic acid 427 with asparagine.
Molecular consequence: missense variant.
Genome position (GRCh38, 1-based): chr14:75,048,377, C>T on the plus strand (G>A on the coding strand, the complement: MLH3 is on the minus strand). VCF-style: chr14-75048377-C-T. GRCh37 (hg19) VCF-style: chr14-75515080-C-T.
Other names: c.1279G>A, p.Asp427Asn (NM_014381.3); short protein forms D427N.
Identifiers: ClinVar variation 4841830 (VCV004841830.1).